The following is an entry in ClinVar:

NM_006231.4(POLE):c.1474G>A (p.Val492Met)

Gene: POLE (DNA polymerase epsilon, catalytic subunit; minus strand). Cytogenetic location: 12q24.33.
Variant type: single nucleotide variant.
Coding change: c.1474G>A on transcript NM_006231.4 (MANE Select); coding-DNA position 1474, G replaced by A.
Protein change: p.Val492Met; replaces valine 492 with methionine.
Molecular consequence: missense variant.
Genome position (GRCh38, 1-based): chr12:132,672,839, C>T on the plus strand (G>A on the coding strand, the complement: POLE is on the minus strand). VCF-style: chr12-132672839-C-T. GRCh37 (hg19) VCF-style: chr12-133249425-C-T.
Other names: short protein forms V492M.
Identifiers: ClinVar variation 3368489 (VCV003368489.2).

ClinVar aggregate classification (germline): Uncertain significance. Review status: criteria provided, multiple submitters, no conflicts (2 of 4 stars). 2 submissions from 2 submitters: Uncertain significance (2). Last evaluated 2024-07-05.

Conditions:
Hereditary cancer-predisposing syndrome. Also called: Tumor predisposition; Neoplastic Syndromes, Hereditary; Hereditary neoplastic syndrome; Hereditary Cancer Syndrome. Identifiers: Orphanet 140162, MedGen C0027672, MeSH D009386, MONDO:0015356.

gnomAD v4.1: 1 of 1,613,320 alleles (0.000062%); highest among the groups gnomAD compares: Admixed American, 0.0017%; no homozygotes.

Submissions (2):

Ambry Genetics
Classification: Uncertain significance for Hereditary cancer-predisposing syndrome. Last evaluated: 2024-07-05. Review status: criteria provided, single submitter. Criteria: Ambry Variant Classification Scheme 2023. Collection method: clinical testing. Allele origin: germline.
Comment: The p.V492M variant (also known as c.1474G>A) is located in coding exon 15 of the POLE gene. The valine at codon 492 is replaced by methionine, an amino acid with highly similar properties. This change occurs in the first base pair of coding exon 15. This amino acid position is conserved. In addition, the in silico prediction for this alteration is inconclusive. Based on the available evidence, the clinical significance of this variant remains unclear.

GeneDx
Classification: Uncertain significance. Last evaluated: 2024-01-29. Review status: criteria provided, single submitter. Criteria: GeneDx Variant Classification Process June 2021. Collection method: clinical testing. Allele origin: germline. Affected: yes.
Comment: Not observed at significant frequency in large population cohorts (gnomAD); In silico analysis supports that this missense variant has a deleterious effect on protein structure/function; Has not been previously published as pathogenic or benign to our knowledge